The following is an entry in ClinVar:

ClinVar aggregate classification (germline): Uncertain significance. Review status: criteria provided, multiple submitters, no conflicts (2 of 4 stars). 3 submissions from 3 submitters: Uncertain significance (3). Last evaluated 2022-09-06.

Conditions:
Inborn genetic diseases. Identifiers: MedGen C0950123, MeSH D030342.

Allele frequency attached by ClinVar (database versions not stated): gnomAD 0.00003; TOPMed 0.00005.

Submissions (3):

Ambry Genetics
Classification: Uncertain significance for Inborn genetic diseases. Last evaluated: 2022-09-06. Review status: criteria provided, single submitter. Criteria: Ambry Variant Classification Scheme 2023. Collection method: clinical testing. Allele origin: germline.

Labcorp Genetics (formerly Invitae), Labcorp
Classification: Uncertain significance. Last evaluated: 2022-06-27. Review status: criteria provided, single submitter. Criteria: Invitae Variant Classification Sherloc (09022015). Collection method: clinical testing. Allele origin: germline.
Comment: This sequence change replaces methionine, which is neutral and non-polar, with leucine, which is neutral and non-polar, at codon 386 of the LCA5 protein (p.Met386Leu). This variant is present in population databases (rs747228221, gnomAD 0.008%). This variant has not been reported in the literature in individuals affected with LCA5-related conditions. Algorithms developed to predict the effect of missense changes on protein structure and function output the following: SIFT: "Tolerated"; PolyPhen-2: "Benign"; Align-GVGD: "Class C0". The leucine amino acid residue is found in multiple mammalian species, which suggests that this missense change does not adversely affect protein function. In summary, the available evidence is currently insufficient to determine the role of this variant in disease. Therefore, it has been classified as a Variant of Uncertain Significance.

Blueprint Genetics
Classification: Uncertain significance. Last evaluated: 2019-05-15. Review status: criteria provided, single submitter. Criteria: ACMG Guidelines, 2015. Collection method: clinical testing. Allele origin: germline.

NM_001122769.3(LCA5):c.1156A>C (p.Met386Leu)

Gene: LCA5 (lebercilin LCA5; minus strand). Cytogenetic location: 6q14.1.
Variant type: single nucleotide variant.
Coding change: c.1156A>C on transcript NM_001122769.3 (MANE Select); coding-DNA position 1156, A replaced by C.
Protein change: p.Met386Leu; replaces methionine 386 with leucine.
Molecular consequence: missense variant.
Genome position (GRCh38, 1-based): chr6:79,489,159, T>G on the plus strand (A>C on the coding strand, the complement: LCA5 is on the minus strand). VCF-style: chr6-79489159-T-G. GRCh37 (hg19) VCF-style: chr6-80198876-T-G.
Other names: c.1156A>C, p.Met386Leu (NM_181714.4); c.1156A>C (NM_181714.3); short protein forms M386L.
Identifiers: ClinVar variation 2147699 (VCV002147699.3), dbSNP rs747228221, ClinGen allele CA3900901.